The following is an entry in ClinVar:

NM_004656.4(BAP1):c.1558T>G (p.Ser520Ala)

Gene: BAP1 (BRCA1 associated deubiquitinase 1; minus strand). Cytogenetic location: 3p21.1.
Variant type: single nucleotide variant.
Coding change: c.1558T>G on transcript NM_004656.4 (MANE Select); coding-DNA position 1558, T replaced by G.
Protein change: p.Ser520Ala; replaces serine 520 with alanine.
Molecular consequence: missense variant.
Genome position (GRCh38, 1-based): chr3:52,403,587, A>C on the plus strand (T>G on the coding strand, the complement: BAP1 is on the minus strand). VCF-style: chr3-52403587-A-C. GRCh37 (hg19) VCF-style: chr3-52437603-A-C.
Other names: c.1504T>G, p.Ser502Ala (NM_001410772.1); short protein forms S502A, S520A.
Identifiers: ClinVar variation 2113246 (VCV002113246.4), dbSNP rs2153226668, ClinGen allele CA353100687.

ClinVar aggregate classification (germline): Uncertain significance (1 of 4 stars; one submission).

Conditions:
BAP1-related tumor predisposition syndrome (TPDS1). Also called: Tumor susceptibility linked to germline BAP1 mutations; COMMON Syndrome; TUMOR PREDISPOSITION SYNDROME 1; BAP1 tumor predisposition syndrome. Identifiers: Orphanet 289539, MedGen C3280492, MONDO:0013692, OMIM 614327.

Submission:

Labcorp Genetics (formerly Invitae), Labcorp
Classification: Uncertain significance for BAP1-related tumor predisposition syndrome. Last evaluated: 2022-03-17. Review status: criteria provided, single submitter. Criteria: Invitae Variant Classification Sherloc (09022015). Collection method: clinical testing. Allele origin: germline.
Comment: In summary, the available evidence is currently insufficient to determine the role of this variant in disease. Therefore, it has been classified as a Variant of Uncertain Significance. Algorithms developed to predict the effect of missense changes on protein structure and function (SIFT, PolyPhen-2, Align-GVGD) all suggest that this variant is likely to be tolerated. This variant has not been reported in the literature in individuals affected with BAP1-related conditions. This variant is not present in population databases (gnomAD no frequency). This sequence change replaces serine, which is neutral and polar, with alanine, which is neutral and non-polar, at codon 520 of the BAP1 protein (p.Ser520Ala).